The following is an entry in ClinVar:

ClinVar aggregate classification (germline): Uncertain significance (1 of 4 stars; one submission).

Submission:

Labcorp Genetics (formerly Invitae), Labcorp
Classification: Uncertain significance. Last evaluated: 2025-06-11. Review status: criteria provided, single submitter. Criteria: Invitae Variant Classification Sherloc (09022015). Collection method: clinical testing. Allele origin: germline.
Comment: This sequence change replaces leucine, which is neutral and non-polar, with phenylalanine, which is neutral and non-polar, at codon 299 of the ZNF513 protein (p.Leu299Phe). This variant is not present in population databases (gnomAD no frequency). This variant has not been reported in the literature in individuals affected with ZNF513-related conditions. An algorithm developed to predict the effect of missense changes on protein structure and function (PolyPhen-2) suggests that this variant is likely to be disruptive. In summary, the available evidence is currently insufficient to determine the role of this variant in disease. Therefore, it has been classified as a Variant of Uncertain Significance.

NM_144631.6(ZNF513):c.895C>T (p.Leu299Phe)

Gene: ZNF513 (zinc finger protein 513; minus strand). Cytogenetic location: 2p23.3.
Variant type: single nucleotide variant.
Coding change: c.895C>T on transcript NM_144631.6 (MANE Select); coding-DNA position 895, C replaced by T.
Protein change: p.Leu299Phe; replaces leucine 299 with phenylalanine.
Molecular consequence: missense variant.
Genome position (GRCh38, 1-based): chr2:27,378,276, G>A on the plus strand (C>T on the coding strand, the complement: ZNF513 is on the minus strand). VCF-style: chr2-27378276-G-A. GRCh37 (hg19) VCF-style: chr2-27601143-G-A.
Other names: c.709C>T, p.Leu237Phe (NM_001201459.2); short protein forms L299F, L237F.
Identifiers: ClinVar variation 4760291 (VCV004760291.1).